The following is an entry in ClinVar:

NM_001184.4(ATR):c.1970A>G (p.Asn657Ser)

Gene: ATR (ATR checkpoint kinase; minus strand). Cytogenetic location: 3q23.
Variant type: single nucleotide variant.
Coding change: c.1970A>G on transcript NM_001184.4 (MANE Select); coding-DNA position 1970, A replaced by G.
Protein change: p.Asn657Ser; replaces asparagine 657 with serine.
Molecular consequence: missense variant.
Genome position (GRCh38, 1-based): chr3:142,556,491, T>C on the plus strand (A>G on the coding strand, the complement: ATR is on the minus strand). VCF-style: chr3-142556491-T-C. GRCh37 (hg19) VCF-style: chr3-142275333-T-C.
Other names: c.1778A>G, p.Asn593Ser (NM_001354579.2); short protein forms N593S, N657S.
Identifiers: ClinVar variation 2079044 (VCV002079044.3), dbSNP rs751784259, ClinGen allele CA2650459.

ClinVar aggregate classification (germline): Uncertain significance (1 of 4 stars; one submission).

Allele frequency attached by ClinVar (database versions not stated): gnomAD exomes 0.00002; gnomAD 0.00001; ExAC 0.00002.
gnomAD v4.1: 23 of 1,613,956 alleles (0.0014%); highest among the groups gnomAD compares: Non-Finnish European, 0.0018%; no homozygotes.

Submission:

Labcorp Genetics (formerly Invitae), Labcorp
Classification: Uncertain significance. Last evaluated: 2026-01-19. Review status: criteria provided, single submitter. Criteria: Invitae Variant Classification Sherloc (09022015). Collection method: clinical testing. Allele origin: germline.
Comment: This sequence change replaces asparagine, which is neutral and polar, with serine, which is neutral and polar, at codon 657 of the ATR protein (p.Asn657Ser). This variant is present in population databases (rs751784259, gnomAD 0.007%). This variant has not been reported in the literature in individuals affected with ATR-related conditions. ClinVar contains an entry for this variant (Variation ID: 2079044). An algorithm developed to predict the effect of missense changes on protein structure and function outputs the following: PolyPhen-2: "Benign". The serine amino acid residue is found in multiple mammalian species, which suggests that this missense change does not adversely affect protein function. In summary, the available evidence is currently insufficient to determine the role of this variant in disease. Therefore, it has been classified as a Variant of Uncertain Significance.